The following is an entry in ClinVar:

ClinVar aggregate classification (germline): Uncertain significance. Review status: criteria provided, multiple submitters, no conflicts (2 of 4 stars). 2 submissions from 2 submitters: Uncertain significance (2). Last evaluated 2025-12-03.

Conditions:
Inborn genetic diseases. Identifiers: MedGen C0950123, MeSH D030342.

Allele frequency attached by ClinVar (database versions not stated): TOPMed 0.00001; gnomAD exomes 0.00002; ExAC 0.00002.
gnomAD v4.1: 10 of 1,609,706 alleles (0.00062%); highest among the groups gnomAD compares: Admixed American, 0.01%; no homozygotes.

Submissions (2):

Ambry Genetics
Classification: Uncertain significance for Inborn genetic diseases. Last evaluated: 2025-12-03. Review status: criteria provided, single submitter. Criteria: Ambry Variant Classification Scheme 2023. Collection method: clinical testing. Allele origin: germline.

Labcorp Genetics (formerly Invitae), Labcorp
Classification: Uncertain significance. Last evaluated: 2021-08-26. Review status: criteria provided, single submitter. Criteria: Invitae Variant Classification Sherloc (09022015). Collection method: clinical testing. Allele origin: germline.
Comment: This sequence change replaces isoleucine with serine at codon 121 of the GHR protein (p.Ile121Ser). The isoleucine residue is highly conserved and there is a large physicochemical difference between isoleucine and serine. This variant is present in population databases (rs765039830, ExAC 0.02%). This variant has not been reported in the literature in individuals affected with GHR-related conditions. Algorithms developed to predict the effect of missense changes on protein structure and function (SIFT, PolyPhen-2, Align-GVGD) all suggest that this variant is likely to be disruptive. Algorithms developed to predict the effect of sequence changes on RNA splicing suggest that this variant may create or strengthen a splice site. In summary, the available evidence is currently insufficient to determine the role of this variant in disease. Therefore, it has been classified as a Variant of Uncertain Significance.

NM_000163.5(GHR):c.362T>G (p.Ile121Ser)

Gene: GHR (growth hormone receptor; plus strand). Cytogenetic location: 5p12.
Variant type: single nucleotide variant.
Coding change: c.362T>G on transcript NM_000163.5 (MANE Select); coding-DNA position 362, T replaced by G.
Protein change: p.Ile121Ser; replaces isoleucine 121 with serine.
Molecular consequence: missense variant.
Genome position (GRCh38, 1-based): chr5:42,695,012, T>G. VCF-style: chr5-42695012-T-G. GRCh37 (hg19) VCF-style: chr5-42695114-T-G.
Other names: c.383T>G, p.Ile128Ser (NM_001242399.2); c.362T>G, p.Ile121Ser (NM_001242400.2, NM_001242401.4, NM_001242402.2 and 5 more transcripts); c.296T>G, p.Ile99Ser (NM_001242460.2); c.362T>G (NM_000163.4); short protein forms I121S, I99S, I128S.
Identifiers: ClinVar variation 1346707 (VCV001346707.6), dbSNP rs765039830, ClinGen allele CA3254382.
Genomic context (GRCh38, chr5:42,695,012, plus strand): 5'-GCCCTGATTATGTTTCTGCTGGGGAAAACAGCTGTTACTTTAATTCATCGTTTACCTCCA[T>G]CTGGATACCTTATTGTATCAAGCTAACTAGCAATGGTGGTACAGTGGATGAAAAGTGTTT-3'
Protein context (NP_000154.1, residues 111-131): SCYFNSSFTS[Ile121Ser]WIPYCIKLTS